The following is an entry in ClinVar:

ClinVar aggregate classification (germline): Conflicting classifications of pathogenicity. Review status: criteria provided, conflicting classifications (1 of 4 stars). 2 submissions from 2 submitters: Pathogenic (1); Uncertain significance (1). Last evaluated 2025-11-21.

Conditions:
Dilated cardiomyopathy 1DD (CMD1DD). Identifiers: Orphanet 154, MedGen C2750995, MONDO:0013168, OMIM 613172.

Submissions (2):

Labcorp Genetics (formerly Invitae), Labcorp
Classification: Pathogenic for Dilated cardiomyopathy 1DD. Last evaluated: 2025-11-21. Review status: criteria provided, single submitter. Criteria: Invitae Variant Classification Sherloc (09022015). Collection method: clinical testing. Allele origin: germline.
Comment: This sequence change creates a premature translational stop signal (p.Trp669*) in the RBM20 gene. It is expected to result in an absent or disrupted protein product. Loss-of-function variants in RBM20 are known to be pathogenic (PMID: 20590677, 22004663, 38288598, 38510713, 40339755). This variant is not present in population databases (gnomAD no frequency). This variant has not been reported in the literature in individuals affected with RBM20-related conditions. ClinVar contains an entry for this variant (Variation ID: 3371155). For these reasons, this variant has been classified as Pathogenic.

GeneDx
Classification: Uncertain significance. Last evaluated: 2024-03-22. Review status: criteria provided, single submitter. Criteria: GeneDx Variant Classification Process June 2021. Collection method: clinical testing. Allele origin: germline. Affected: yes.
Comment: Not observed at significant frequency in large population cohorts (gnomAD); Nonsense variant predicted to result in protein truncation or nonsense mediated decay in a gene or region of a gene for which loss of function is not a well-established mechanism of disease; Has not been previously published as pathogenic or benign to our knowledge

Literature cited by the submitters: PubMed 20590677 (cited by Labcorp Genetics (formerly Invitae), Labcorp); PubMed 22004663 (cited by Labcorp Genetics (formerly Invitae), Labcorp); PubMed 38288598 (cited by Labcorp Genetics (formerly Invitae), Labcorp); PubMed 38510713 (cited by Labcorp Genetics (formerly Invitae), Labcorp); PubMed 40339755 (cited by Labcorp Genetics (formerly Invitae), Labcorp).

NM_001134363.3(RBM20):c.2006G>A (p.Trp669Ter)

Gene: RBM20 (RNA binding motif protein 20; plus strand). Cytogenetic location: 10q25.2.
Variant type: single nucleotide variant.
Coding change: c.2006G>A on transcript NM_001134363.3 (MANE Select); coding-DNA position 2006, G replaced by A.
Protein change: p.Trp669Ter; replaces tryptophan 669 with a stop codon.
Molecular consequence: nonsense.
Genome position (GRCh38, 1-based): chr10:110,812,403, G>A. VCF-style: chr10-110812403-G-A. GRCh37 (hg19) VCF-style: chr10-112572161-G-A.
Other names: short protein forms W669*.
Identifiers: ClinVar variation 3371155 (VCV003371155.3).